The following is an entry in ClinVar:

NM_145207.3(AFG2A):c.192G>T (p.Gln64His)

Gene: AFG2A (AFG2 AAA ATPase homolog A; plus strand). Cytogenetic location: 4q28.1.
Variant type: single nucleotide variant.
Coding change: c.192G>T on transcript NM_145207.3 (MANE Select); coding-DNA position 192, G replaced by T.
Protein change: p.Gln64His; replaces glutamine 64 with histidine.
Molecular consequence: missense variant.
Genome position (GRCh38, 1-based): chr4:122,927,662, G>T. VCF-style: chr4-122927662-G-T. GRCh37 (hg19) VCF-style: chr4-123848817-G-T.
Other names: c.189G>T, p.Gln63His (NM_001317799.2, NM_001345856.2); short protein forms Q63H, Q64H.
Identifiers: ClinVar variation 1057828 (VCV001057828.2), dbSNP rs150877999, ClinGen allele CA3070158.

ClinVar aggregate classification (germline): Uncertain significance (1 of 4 stars; one submission).

Conditions:
Microcephaly-intellectual disability-sensorineural hearing loss-epilepsy-abnormal muscle tone syndrome (NEDHSB). Also called: NEURODEVELOPMENTAL DISORDER WITH HEARING LOSS, SEIZURES, AND BRAIN ABNORMALITIES. Identifiers: Orphanet 457351, MedGen C4225276, MONDO:0014698, OMIM 616577.

Allele frequency attached by ClinVar (database versions not stated): gnomAD exomes below 0.00001 and 0.00001; ExAC 0.00001; gnomAD 0.00001; TOPMed 0.00002; ESP Exome Variant Server 0.00008.
gnomAD v4.1: 8 of 1,611,220 alleles (0.0005%); highest among the groups gnomAD compares: African/African-American, 0.011%; no homozygotes.

Submission:

Labcorp Genetics (formerly Invitae), Labcorp
Classification: Uncertain significance for Microcephaly-intellectual disability-sensorineural hearing loss-epilepsy-abnormal muscle tone syndrome. Last evaluated: 2022-03-03. Review status: criteria provided, single submitter. Criteria: Invitae Variant Classification Sherloc (09022015). Collection method: clinical testing. Allele origin: germline.
Comment: This sequence change replaces glutamine, which is neutral and polar, with histidine, which is basic and polar, at codon 64 of the SPATA5 protein (p.Gln64His). This variant is present in population databases (rs150877999, gnomAD 0.01%). This variant has not been reported in the literature in individuals affected with SPATA5-related conditions. ClinVar contains an entry for this variant (Variation ID: 1057828). Algorithms developed to predict the effect of missense changes on protein structure and function are either unavailable or do not agree on the potential impact of this missense change (SIFT: "Deleterious"; PolyPhen-2: "Possibly Damaging"; Align-GVGD: "Class C0"). In summary, the available evidence is currently insufficient to determine the role of this variant in disease. Therefore, it has been classified as a Variant of Uncertain Significance.